The following is an entry in ClinVar:

NM_030662.4(MAP2K2):c.594C>T (p.Ser198=)

Gene: MAP2K2 (mitogen-activated protein kinase kinase 2; minus strand). Cytogenetic location: 19p13.3.
Variant type: single nucleotide variant.
Coding change: c.594C>T on transcript NM_030662.4 (MANE Select); coding-DNA position 594, C replaced by T.
Protein change: p.Ser198=; no amino-acid change (serine 198 retained).
Molecular consequence: synonymous variant.
Genome position (GRCh38, 1-based): chr19:4,101,130, G>A on the plus strand (C>T on the coding strand, the complement: MAP2K2 is on the minus strand). VCF-style: chr19-4101130-G-A. GRCh37 (hg19) VCF-style: chr19-4101128-G-A.
Identifiers: ClinVar variation 2863740 (VCV002863740.3), dbSNP rs2145054481, ClinGen allele CA504987202.

ClinVar aggregate classification (germline): Uncertain significance (1 of 4 stars; one submission).

Conditions:
RASopathy. Also called: Noonan spectrum disorder; rasopathies. Identifiers: Orphanet 536391, MedGen C5555857, MONDO:0021060.

Submission:

Labcorp Genetics (formerly Invitae), Labcorp
Classification: Uncertain significance for RASopathy. Last evaluated: 2024-01-22. Review status: criteria provided, single submitter. Criteria: Invitae Variant Classification Sherloc (09022015). Collection method: clinical testing. Allele origin: germline.
Comment: This sequence change affects codon 198 of the MAP2K2 mRNA. It is a 'silent' change, meaning that it does not change the encoded amino acid sequence of the MAP2K2 protein. This variant is not present in population databases (gnomAD no frequency). This variant has not been reported in the literature in individuals affected with MAP2K2-related conditions. Algorithms developed to predict the effect of sequence changes on RNA splicing suggest that this variant may create or strengthen a splice site. In summary, the available evidence is currently insufficient to determine the role of this variant in disease. Therefore, it has been classified as a Variant of Uncertain Significance.